The following is an entry in ClinVar:

ClinVar aggregate classification (germline): Conflicting classifications of pathogenicity. Review status: criteria provided, conflicting classifications (1 of 4 stars). 4 submissions from 4 submitters: Uncertain significance (3); Likely benign (1). Last evaluated 2025-10-20.

Conditions:
Early-infantile DEE. Also called: Early infantile epileptic encephalopathy; Early infantile epileptic encephalopathy with suppression bursts; Ohtahara syndrome. Identifiers: Orphanet 1934, MedGen C0393706, MONDO:0800491.
Seizures, benign familial infantile, 5 (BFIS5). Also called: CONVULSIONS, BENIGN FAMILIAL INFANTILE, 5. Identifiers: Orphanet 306, MedGen C4310728, MONDO:0014903, OMIM 617080.
Cognitive impairment with or without cerebellar ataxia (CIAT). Identifiers: MedGen C3280415, MONDO:0013680, OMIM 614306.
Developmental and epileptic encephalopathy, 13 (DEE13). Also called: SCN8A-Related Epilepsy; Early infantile epileptic encephalopathy 13; Developmental and Epileptic Encephalopathy (SCN8A-DEE). Identifiers: Orphanet 442835, MedGen C3281191, MONDO:0013801, OMIM 614558.

Allele frequency attached by ClinVar (database versions not stated): gnomAD 0.00001; gnomAD exomes 0.00003 and 0.00004; ExAC 0.00003; TOPMed below 0.00001.
gnomAD v4.1: 54 of 1,613,090 alleles (0.0033%); highest among the groups gnomAD compares: Non-Finnish European, 0.0039%; no homozygotes.

Submissions (4):

Labcorp Genetics (formerly Invitae), Labcorp
Classification: Uncertain significance for Early-infantile DEE. Last evaluated: 2025-10-20. Review status: criteria provided, single submitter. Criteria: Invitae Variant Classification Sherloc (09022015). Collection method: clinical testing. Allele origin: germline.
Comment: This sequence change replaces arginine, which is basic and polar, with glutamine, which is neutral and polar, at codon 1055 of the SCN8A protein (p.Arg1055Gln). This variant is present in population databases (rs756127631, gnomAD 0.007%). This variant has not been reported in the literature in individuals affected with SCN8A-related conditions. ClinVar contains an entry for this variant (Variation ID: 436670). Invitae Evidence Modeling of protein sequence and biophysical properties (such as structural, functional, and spatial information, amino acid conservation, physicochemical variation, residue mobility, and thermodynamic stability) indicates that this missense variant is not expected to disrupt SCN8A protein function with a negative predictive value of 95%. In summary, the available evidence is currently insufficient to determine the role of this variant in disease. Therefore, it has been classified as a Variant of Uncertain Significance.

GeneDx
Classification: Likely benign. Last evaluated: 2021-01-29. Review status: criteria provided, single submitter. Criteria: GeneDx Variant Classification Process June 2021. Collection method: clinical testing. Allele origin: germline. Affected: yes.
Comment: Missense variants in this gene are often considered pathogenic (Stenson et al., 2014); In silico analysis supports that this missense variant does not alter protein structure/function; Has not been previously published as pathogenic or benign to our knowledge; This substitution is predicted to be in the cytoplasmic loop between the second and third homologous domains

Fulgent Genetics
Classification: Uncertain significance for Cognitive impairment with or without cerebellar ataxia; Developmental and epileptic encephalopathy, 13; Seizures, benign familial infantile, 5. Last evaluated: 2018-10-31. Review status: criteria provided, single submitter. Criteria: ACMG Guidelines, 2015. Collection method: clinical testing. Allele origin: unknown.

Genetic Services Laboratory, University of Chicago
Classification: Uncertain significance. Last evaluated: 2017-03-14. Review status: criteria provided, single submitter. Criteria: ACMG Guidelines, 2015. Collection method: clinical testing. Allele origin: germline. Affected: no.

NM_001330260.2(SCN8A):c.3164G>A (p.Arg1055Gln)

Gene: SCN8A (sodium voltage-gated channel alpha subunit 8; plus strand). Cytogenetic location: 12q13.13.
Variant type: single nucleotide variant.
Coding change: c.3164G>A on transcript NM_001330260.2 (MANE Select); coding-DNA position 3164, G replaced by A.
Protein change: p.Arg1055Gln; replaces arginine 1055 with glutamine.
Molecular consequence: missense variant.
Genome position (GRCh38, 1-based): chr12:51,769,127, G>A. VCF-style: chr12-51769127-G-A. GRCh37 (hg19) VCF-style: chr12-52162911-G-A.
Other names: c.3164G>A, p.Arg1055Gln (NM_001177984.3, NM_001369788.1, NM_014191.4); short protein forms R1055Q.
Identifiers: ClinVar variation 436670 (VCV000436670.15), dbSNP rs756127631, ClinGen allele CA6571555.